The following is an entry in ClinVar:

ClinVar aggregate classification (germline): Uncertain significance. Review status: criteria provided, multiple submitters, no conflicts (2 of 4 stars). 2 submissions from 2 submitters: Uncertain significance (2). Last evaluated 2025-01-31.

Conditions:
Hereditary cancer-predisposing syndrome. Also called: Neoplastic Syndromes, Hereditary; Hereditary neoplastic syndrome; Tumor predisposition; Hereditary Cancer Syndrome. Identifiers: Orphanet 140162, MedGen C0027672, MeSH D009386, MONDO:0015356.
Parathyroid carcinoma (PRTC). Also called: CDC73-Related Parathyroid Carcinoma; Parathyroid gland carcinoma. Identifiers: Orphanet 143, MedGen C0687150, MONDO:0012004, OMIM 608266, HP:0006780.

Submissions (2):

Ambry Genetics
Classification: Uncertain significance for Hereditary cancer-predisposing syndrome. Last evaluated: 2025-01-31. Review status: criteria provided, single submitter. Criteria: Ambry Variant Classification Scheme 2023. Collection method: clinical testing. Allele origin: germline.
Comment: The p.K409Q variant (also known as c.1225A>C), located in coding exon 14 of the CDC73 gene, results from an A to C substitution at nucleotide position 1225. The lysine at codon 409 is replaced by glutamine, an amino acid with similar properties. This amino acid position is conserved. In addition, the in silico prediction for this alteration is inconclusive. Based on the available evidence, the clinical significance of this variant remains unclear.

Labcorp Genetics (formerly Invitae), Labcorp
Classification: Uncertain significance for Parathyroid carcinoma. Last evaluated: 2023-08-21. Review status: criteria provided, single submitter. Criteria: Invitae Variant Classification Sherloc (09022015). Collection method: clinical testing. Allele origin: germline.
Comment: In summary, the available evidence is currently insufficient to determine the role of this variant in disease. Therefore, it has been classified as a Variant of Uncertain Significance. Advanced modeling of protein sequence and biophysical properties (such as structural, functional, and spatial information, amino acid conservation, physicochemical variation, residue mobility, and thermodynamic stability) performed at Invitae indicates that this missense variant is expected to disrupt CDC73 protein function. This variant has not been reported in the literature in individuals affected with CDC73-related conditions. This variant is not present in population databases (gnomAD no frequency). This sequence change replaces lysine, which is basic and polar, with glutamine, which is neutral and polar, at codon 409 of the CDC73 protein (p.Lys409Gln).

NM_024529.5(CDC73):c.1225A>C (p.Lys409Gln)

Gene: CDC73 (cell division cycle 73; plus strand). Cytogenetic location: 1q31.2.
Variant type: single nucleotide variant.
Coding change: c.1225A>C on transcript NM_024529.5 (MANE Select); coding-DNA position 1225, A replaced by C.
Protein change: p.Lys409Gln; replaces lysine 409 with glutamine.
Molecular consequence: missense variant.
Genome position (GRCh38, 1-based): chr1:193,233,063, A>C. VCF-style: chr1-193233063-A-C. GRCh37 (hg19) VCF-style: chr1-193202193-A-C.
Other names: short protein forms K409Q.
Identifiers: ClinVar variation 2895540 (VCV002895540.4), dbSNP rs2527493920, ClinGen allele CA344077867.